The following is an entry in ClinVar:

NM_001145860.2(POP1):c.961C>A (p.Pro321Thr)

Gene: POP1 (POP1 homolog, ribonuclease P/MRP subunit; plus strand). Cytogenetic location: 8q22.2.
Variant type: single nucleotide variant.
Coding change: c.961C>A on transcript NM_001145860.2 (MANE Select); coding-DNA position 961, C replaced by A.
Protein change: p.Pro321Thr; replaces proline 321 with threonine.
Molecular consequence: missense variant.
Genome position (GRCh38, 1-based): chr8:98,134,609, C>A. VCF-style: chr8-98134609-C-A. GRCh37 (hg19) VCF-style: chr8-99146837-C-A.
Other names: c.961C>A, p.Pro321Thr (NM_001145861.2, NM_015029.3); c.961C>A (NM_015029.2); short protein forms P321T.
Identifiers: ClinVar variation 1484804 (VCV001484804.5), dbSNP rs766520200, ClinGen allele CA4820457.

ClinVar aggregate classification (germline): Conflicting classifications of pathogenicity. Review status: criteria provided, conflicting classifications (1 of 4 stars). 2 submissions from 2 submitters: Uncertain significance (1); Likely benign (1). Last evaluated 2023-04-20.

Conditions:
Inborn genetic diseases. Identifiers: MedGen C0950123, MeSH D030342.

Allele frequency attached by ClinVar (database versions not stated): gnomAD exomes 0.00001; ExAC 0.00002; gnomAD 0.00003 and 0.00004; TOPMed 0.00004.
gnomAD v4.1: 24 of 1,613,928 alleles (0.0015%); highest among the groups gnomAD compares: African/African-American, 0.0027%; no homozygotes.

Submissions (2):

Ambry Genetics
Classification: Likely benign for Inborn genetic diseases. Last evaluated: 2023-04-20. Review status: criteria provided, single submitter. Criteria: Ambry Variant Classification Scheme 2023. Collection method: clinical testing. Allele origin: germline.

Labcorp Genetics (formerly Invitae), Labcorp
Classification: Uncertain significance. Last evaluated: 2022-10-03. Review status: criteria provided, single submitter. Criteria: Invitae Variant Classification Sherloc (09022015). Collection method: clinical testing. Allele origin: germline.
Comment: This sequence change replaces proline, which is neutral and non-polar, with threonine, which is neutral and polar, at codon 321 of the POP1 protein (p.Pro321Thr). This variant is present in population databases (rs766520200, gnomAD 0.004%). This variant has not been reported in the literature in individuals affected with POP1-related conditions. ClinVar contains an entry for this variant (Variation ID: 1484804). Algorithms developed to predict the effect of missense changes on protein structure and function output the following: SIFT: "Tolerated"; PolyPhen-2: "Benign"; Align-GVGD: "Class C0". The threonine amino acid residue is found in multiple mammalian species, which suggests that this missense change does not adversely affect protein function. In summary, the available evidence is currently insufficient to determine the role of this variant in disease. Therefore, it has been classified as a Variant of Uncertain Significance.